The following is an entry in ClinVar:

NM_006648.4(WNK2):c.2120C>T (p.Ala707Val)

Gene: WNK2 (WNK lysine deficient protein kinase 2; plus strand). Cytogenetic location: 9q22.31.
Variant type: single nucleotide variant.
Coding change: c.2120C>T on transcript NM_006648.4 (MANE Select); coding-DNA position 2120, C replaced by T.
Protein change: p.Ala707Val; replaces alanine 707 with valine.
Molecular consequence: missense variant.
Genome position (GRCh38, 1-based): chr9:93,256,384, C>T. VCF-style: chr9-93256384-C-T. GRCh37 (hg19) VCF-style: chr9-96018666-C-T.
Other names: c.2120C>T, p.Ala707Val (NM_001282394.3); short protein forms A707V.
Identifiers: ClinVar variation 3470752 (VCV003470752.2).

ClinVar aggregate classification (germline): Uncertain significance (1 of 4 stars; one submission).

Submission:

Ambry Genetics
Classification: Uncertain significance. Last evaluated: 2024-12-14. Review status: criteria provided, single submitter. Criteria: Ambry Variant Classification Scheme 2023. Collection method: clinical testing. Allele origin: germline.
Comment: The p.A707V variant (also known as c.2120C>T), located in coding exon 9 of the WNK2 gene, results from a C to T substitution at nucleotide position 2120. The alanine at codon 707 is replaced by valine, an amino acid with similar properties. This amino acid position is conserved. In addition, this alteration is predicted to be tolerated by in silico analysis. Based on the available evidence, the clinical significance of this variant remains unclear.